The following is an entry in ClinVar:

NM_006904.7(PRKDC):c.2395T>G (p.Tyr799Asp)

Gene: PRKDC (protein kinase, DNA-activated, catalytic subunit; minus strand). Cytogenetic location: 8q11.21.
Variant type: single nucleotide variant.
Coding change: c.2395T>G on transcript NM_006904.7 (MANE Select); coding-DNA position 2395, T replaced by G.
Protein change: p.Tyr799Asp; replaces tyrosine 799 with aspartic acid.
Molecular consequence: missense variant.
Genome position (GRCh38, 1-based): chr8:47,927,218, A>C on the plus strand (T>G on the coding strand, the complement: PRKDC is on the minus strand). VCF-style: chr8-47927218-A-C. GRCh37 (hg19) VCF-style: chr8-48839778-A-C.
Other names: c.2395T>G, p.Tyr799Asp (NM_001081640.2); short protein forms Y799D.
Identifiers: ClinVar variation 3225791 (VCV003225791.1), dbSNP rs2551878116, ClinGen allele CA371161684.

ClinVar aggregate classification (germline): Uncertain significance (1 of 4 stars; one submission).

Submission:

Ambry Genetics
Classification: Uncertain significance. Last evaluated: 2023-10-06. Review status: criteria provided, single submitter. Criteria: Ambry Variant Classification Scheme 2023. Collection method: clinical testing. Allele origin: germline.
Comment: The p.Y799D variant (also known as c.2395T>G), located in coding exon 21 of the PRKDC gene, results from a T to G substitution at nucleotide position 2395. The tyrosine at codon 799 is replaced by aspartic acid, an amino acid with highly dissimilar properties. This amino acid position is conserved. In addition, this alteration is predicted to be deleterious by in silico analysis. Since supporting evidence is limited at this time, the clinical significance of this alteration remains unclear.